The following is an entry in ClinVar:

ClinVar aggregate classification (germline): Pathogenic. Review status: criteria provided, multiple submitters, no conflicts (2 of 4 stars). 6 submissions from 6 submitters: Pathogenic (3). 3 of the submissions do not count toward it. Last evaluated 2024-09-10.

Conditions:
Hereditary cancer-predisposing syndrome. Also called: Tumor predisposition; Hereditary neoplastic syndrome; Neoplastic Syndromes, Hereditary; Hereditary Cancer Syndrome. Identifiers: Orphanet 140162, MedGen C0027672, MeSH D009386, MONDO:0015356.
Familial cancer of breast. Also called: BREAST CANCER, FAMILIAL; Hereditary breast cancer; hereditary breast carcinoma. Identifiers: Orphanet 227535, MedGen C0346153, MONDO:0016419, OMIM 114480. Disease mechanism: loss of function.
Ataxia-telangiectasia syndrome (AT). Also called: ATAXIA-TELANGIECTASIA, COMPLEMENTATION GROUP A; ATAXIA-TELANGIECTASIA, FRESNO VARIANT; Ataxia-telangiectasia; LOUIS-BAR SYNDROME; Cerebello-oculocutaneous telangiectasia; Immunodeficiency with ataxia telangiectasia. Identifiers: Orphanet 100, MedGen C0004135, MONDO:0008840, OMIM 208900.

Submissions (6):

Ambry Genetics
Classification: Pathogenic for Hereditary cancer-predisposing syndrome. Last evaluated: 2024-09-10. Review status: criteria provided, single submitter. Criteria: Ambry Variant Classification Scheme 2023. Collection method: clinical testing. Allele origin: germline.
Comment: The c.2574dupT pathogenic mutation, located in coding exon 16 of the ATM gene, results from a duplication of T at nucleotide position 2574, causing a translational frameshift with a predicted alternate stop codon (p.N859*). This variant is considered to be rare based on population cohorts in the Genome Aggregation Database (gnomAD). This alteration is expected to result in loss of function by premature protein truncation or nonsense-mediated mRNA decay. As such, this alteration is interpreted as a disease-causing mutation.

Labcorp Genetics (formerly Invitae), Labcorp
Classification: Pathogenic for Ataxia-telangiectasia syndrome. Last evaluated: 2023-12-22. Review status: criteria provided, single submitter. Criteria: Invitae Variant Classification Sherloc (09022015). Collection method: clinical testing. Allele origin: germline.
Comment: This sequence change creates a premature translational stop signal (p.Asn859*) in the ATM gene. It is expected to result in an absent or disrupted protein product. Loss-of-function variants in ATM are known to be pathogenic (PMID: 23807571, 25614872). This variant is not present in population databases (gnomAD no frequency). This premature translational stop signal has been observed in individual(s) with breast cancer (PMID: 17393301). This variant is also known as c.2572insT. ClinVar contains an entry for this variant (Variation ID: 133609). For these reasons, this variant has been classified as Pathogenic.

Myriad Genetics, Inc.
Classification: Pathogenic for Familial cancer of breast. Last evaluated: 2023-04-17. Review status: criteria provided, single submitter. Criteria: Myriad Autosomal Dominant, Autosomal Recessive and X-Linked Classification Criteria (2023). Collection method: clinical testing. Allele origin: unknown.
Comment: This variant is considered pathogenic. This variant creates a termination codon and is predicted to result in premature protein truncation.

ITMI
No classification provided. Condition: AllHighlyPenetrant. Last evaluated: 2013-09-19. Review status: no classification provided. Collection method: reference population. Allele origin: germline. Not counted in ClinVar's aggregate classification.
Comment: Please see associated publication for description of ethnicities

Genome Diagnostics Laboratory, Amsterdam University Medical Center
Classification: Pathogenic. Review status: no assertion criteria provided. Collection method: clinical testing. Allele origin: germline. Affected: yes. Study: VKGL Data-share Consensus. Not counted in ClinVar's aggregate classification.

Genome Diagnostics Laboratory, University Medical Center Utrecht
Classification: Pathogenic. Review status: no assertion criteria provided. Collection method: clinical testing. Allele origin: germline. Affected: yes. Study: VKGL Data-share Consensus. Not counted in ClinVar's aggregate classification.

Literature cited by the submitters: PubMed 23807571 (cited by Labcorp Genetics (formerly Invitae), Labcorp); PubMed 25614872 (cited by Labcorp Genetics (formerly Invitae), Labcorp); PubMed 17393301 (cited by Labcorp Genetics (formerly Invitae), Labcorp); PubMed 24728327 (cited by ITMI).

NM_000051.4(ATM):c.2574dup (p.Asn859Ter)

Gene: ATM (ATM serine/threonine kinase; plus strand). Cytogenetic location: 11q22.3.
Variant type: Duplication.
Coding change: c.2574dup on transcript NM_000051.4 (MANE Select); coding-DNA position 2574, one base duplicated (T; older notation c.2574dupT).
Protein change: p.Asn859Ter; replaces asparagine 859 with a stop codon.
Molecular consequence: nonsense.
Genome position (GRCh38, 1-based): chr11:108,267,278, T duplicated; the last of 3 consecutive T bases (chr11:108,267,276-108,267,278); duplicating any one gives the same sequence. VCF-style (leftmost placement, unchanged base first): chr11-108267275-A-AT. GRCh37 (hg19) VCF-style: chr11-108138002-A-AT.
Other names: c.2574dup, p.Asn859Ter (NM_001351834.2); short protein forms N859*.
Identifiers: ClinVar variation 133609 (VCV000133609.12), dbSNP rs587778068, ClinGen allele CA157082.